The following is an entry in ClinVar:

ClinVar aggregate classification (germline): Uncertain significance (1 of 4 stars; one submission).

Conditions:
Brugada syndrome 8 (BRGDA8). Identifiers: Orphanet 130, MedGen C2751083, MONDO:0013148, OMIM 613123.

gnomAD v4.1: 1 of 1,613,964 alleles (0.000062%); highest among the groups gnomAD compares: African/African-American, 0.0013%; no homozygotes.

Submission:

Labcorp Genetics (formerly Invitae), Labcorp
Classification: Uncertain significance for Brugada syndrome 8. Last evaluated: 2025-05-19. Review status: criteria provided, single submitter. Criteria: Invitae Variant Classification Sherloc (09022015). Collection method: clinical testing. Allele origin: germline.
Comment: This sequence change replaces isoleucine, which is neutral and non-polar, with threonine, which is neutral and polar, at codon 398 of the HCN4 protein (p.Ile398Thr). This variant is not present in population databases (gnomAD no frequency). This variant has not been reported in the literature in individuals affected with HCN4-related conditions. Invitae Evidence Modeling of protein sequence and biophysical properties (such as structural, functional, and spatial information, amino acid conservation, physicochemical variation, residue mobility, and thermodynamic stability) indicates that this missense variant is expected to disrupt HCN4 protein function with a positive predictive value of 95%. In summary, the available evidence is currently insufficient to determine the role of this variant in disease. Therefore, it has been classified as a Variant of Uncertain Significance.

NM_005477.3(HCN4):c.1193T>C (p.Ile398Thr)

Genes: HCN4 (hyperpolarization activated cyclic nucleotide gated potassium channel 4; minus strand), LOC105370890 (uncharacterized LOC105370890; plus strand). Cytogenetic location: 15q24.1.
Variant type: single nucleotide variant.
Coding change: c.1193T>C on transcript NM_005477.3 (MANE Select); coding-DNA position 1193, T replaced by C.
Protein change: p.Ile398Thr; replaces isoleucine 398 with threonine.
Molecular consequence: missense variant. On other transcripts: non-coding transcript variant (1).
Genome position (GRCh38, 1-based): chr15:73,343,401, A>G on the plus strand (T>C on the coding strand, the complement: HCN4 is on the minus strand). VCF-style: chr15-73343401-A-G. GRCh37 (hg19) VCF-style: chr15-73635742-A-G.
Other names: short protein forms I398T.
Identifiers: ClinVar variation 4714748 (VCV004714748.1).